The following is an entry in ClinVar:

ClinVar aggregate classification (germline): Uncertain significance (1 of 4 stars; one submission).

Allele frequency attached by ClinVar (database versions not stated): gnomAD exomes below 0.00001.
gnomAD v4.1: 2 of 1,478,964 alleles (0.00014%); highest among the groups gnomAD compares: Non-Finnish European, 0.00018%; no homozygotes.

Submission:

Athena Diagnostics
Classification: Uncertain significance. Last evaluated: 2023-04-12. Review status: criteria provided, single submitter. Criteria: Athena Diagnostics Criteria. Collection method: clinical testing. Allele origin: unknown.
Comment: Available data are insufficient to determine the clinical significance of the variant at this time. This variant has not been reported in large, multi-ethnic general populations. Computational tools disagree on the variant's effect on normal protein function.

NM_000144.5(FXN):c.125T>G (p.Leu42Arg)

Genes: FXN (frataxin; plus strand), LOC130001862 (ATAC-STARR-seq lymphoblastoid silent region 19931; plus strand). Cytogenetic location: 9q21.11.
Variant type: single nucleotide variant.
Coding change: c.125T>G on transcript NM_000144.5 (MANE Select); coding-DNA position 125, T replaced by G.
Protein change: p.Leu42Arg; replaces leucine 42 with arginine.
Molecular consequence: missense variant.
Genome position (GRCh38, 1-based): chr9:69,035,907, T>G. VCF-style: chr9-69035907-T-G. GRCh37 (hg19) VCF-style: chr9-71650823-T-G.
Other names: c.125T>G, p.Leu42Arg (NM_181425.3); short protein forms L42R.
Identifiers: ClinVar variation 2684198 (VCV002684198.1), dbSNP rs1028088816, ClinGen allele CA193369082.